The following is an entry in ClinVar:

NM_001243766.2(POMGNT1):c.-50-671_-50-666dup

Genes: POMGNT1 (protein O-linked mannose N-acetylglucosaminyltransferase 1 (beta 1,2-); minus strand), LOC129930471 (ATAC-STARR-seq lymphoblastoid silent region 837; plus strand). Cytogenetic location: 1p34.1.
Variant type: Duplication.
Coding change: c.-50-671_-50-666dup on transcript NM_001243766.2; 671 bases into the intron before 50 bases upstream of the start codon through 666 bases into the intron before 50 bases upstream of the start codon, 6 bases duplicated (ACCGCC; older notation c.-50-671_-50-666dupACCGCC).
Molecular consequence: intron variant.
Genome position (GRCh38, 1-based): chr1:46,198,537-46,198,542, GGCGGT duplicated on the plus strand (ACCGCC on the coding strand, the reverse complement: POMGNT1 is on the minus strand); duplicating any 6 consecutive bases within chr1:46,198,537-46,198,547 gives the same sequence; the c. name uses the placement nearest the transcript's 3' end. VCF-style (leftmost placement, unchanged base first): chr1-46198536-C-CGGCGGT. GRCh37 (hg19) VCF-style: chr1-46664208-C-CGGCGGT.
Identifiers: ClinVar variation 3056787 (VCV003056787.2), dbSNP rs28364742, ClinGen allele CA522582772.
Genomic context (GRCh38, chr1:46,198,536, plus strand): 5'-GCCGCCGCTGCCGCGGGGTGAGAGGGCGACGGGCGGTGCTTAGGGCGGCGGCGGCGGCGG[C>CGGCGGT]GGCGGTGGCGGCAGCGGCGTCGGGGTGTAAGCAGCCAGCGAGTAAGGCGAATGCTCAGAC-3'

ClinVar aggregate classification (germline): Likely benign (0 of 4 stars; one submission).

Conditions:
POMGNT1-related disorder. Also called: POMGNT1-related condition; POMGNT1-related disorders. Identifiers: MedGen CN239299.

Submission:

PreventionGenetics, part of Exact Sciences
Classification: Likely benign for POMGNT1-related condition. Last evaluated: 2023-05-10. Review status: no assertion criteria provided. Collection method: clinical testing. Allele origin: germline.
Comment: This variant is classified as likely benign based on ACMG/AMP sequence variant interpretation guidelines (Richards et al. 2015 PMID: 25741868, with internal and published modifications).